The following is an entry in ClinVar:

ClinVar aggregate classification (germline): Pathogenic/Likely pathogenic. Review status: criteria provided, multiple submitters, no conflicts (2 of 4 stars). 4 submissions from 4 submitters: Pathogenic (2); Likely pathogenic (1). 1 of the submissions does not count toward it. Last evaluated 2025-08-15.

Conditions:
LZTR1-related disorder. Also called: LZTR1-related disorders; LZTR1-related condition.
Hereditary cancer-predisposing syndrome. Also called: Neoplastic Syndromes, Hereditary; Hereditary Cancer Syndrome; Hereditary neoplastic syndrome; Tumor predisposition. Identifiers: Orphanet 140162, MedGen C0027672, MeSH D009386, MONDO:0015356.
Cardiovascular phenotype. Identifiers: MedGen CN230736.

Allele frequency attached by ClinVar (database versions not stated): gnomAD exomes 0.00001; ExAC 0.00002.
gnomAD v4.1: 2 of 1,599,494 alleles (0.00013%); highest among the groups gnomAD compares: South Asian, 0.0011%; no homozygotes.

Submissions (4):

GeneDx
Classification: Likely pathogenic. Last evaluated: 2025-08-15. Review status: criteria provided, single submitter. Criteria: GeneDx Variant Classification Process June 2021. Collection method: clinical testing. Allele origin: germline. Affected: yes.
Comment: Nonsense variant predicted to result in protein truncation or nonsense mediated decay in a gene for which loss-of-function is a known mechanism of disease; Not observed at significant frequency in large population cohorts (gnomAD); Has not been previously published as pathogenic or benign to our knowledge

Ambry Genetics
Classification: Pathogenic for Cardiovascular phenotype; Hereditary cancer-predisposing syndrome. Last evaluated: 2024-10-17. Review status: criteria provided, single submitter. Criteria: Ambry Variant Classification Scheme 2023. Collection method: clinical testing. Allele origin: germline.
Comment: The p.Y529* pathogenic mutation (also known as c.1587C>A), located in coding exon 14 of the LZTR1 gene, results from a C to A substitution at nucleotide position 1587. This changes the amino acid from a tyrosine to a stop codon within coding exon 14. This alteration is expected to result in loss of function by premature protein truncation or nonsense-mediated mRNA decay. Loss-of-function variants in LZTR1 are related to an increased risk for schwannomas and autosomal recessive Noonan syndrome; however, such associations with autosomal dominant Noonan syndrome have not been observed (Piotrowski A et al. Nat Genet. 2014 Feb;46:182-7; Yamamoto GL et al. J Med Genet. 2015 Jun;52:413-21; Johnston JJ et al. Genet Med. 2018 10;20:1175-1185). Based on the supporting evidence, this variant is pathogenic for an increased risk of LZTR1-related schwannomatosis (SWN) and would be expected to cause autosomal recessive Noonan syndrome when present along with a second pathogenic or likely pathogenic variant on the other allele; however, the association of this alteration with autosomal dominant Noonan syndrome is unlikely.

Labcorp Genetics (formerly Invitae), Labcorp
Classification: Pathogenic. Last evaluated: 2024-01-07. Review status: criteria provided, single submitter. Criteria: Invitae Variant Classification Sherloc (09022015). Collection method: clinical testing. Allele origin: germline.
Comment: This sequence change creates a premature translational stop signal (p.Tyr529*) in the LZTR1 gene. It is expected to result in an absent or disrupted protein product. Loss-of-function variants in LZTR1 are known to be pathogenic (PMID: 24362817, 25335493, 25480913, 25795793, 29469822, 30368668, 30442762, 30442766, 30481304, 30859559). The frequency data for this variant in the population databases is considered unreliable, as metrics indicate poor data quality at this position in the gnomAD database. This variant has not been reported in the literature in individuals affected with LZTR1-related conditions. ClinVar contains an entry for this variant (Variation ID: 1440234). For these reasons, this variant has been classified as Pathogenic.

PreventionGenetics, part of Exact Sciences
Classification: Pathogenic for LZTR1-related condition. Last evaluated: 2023-12-11. Review status: no assertion criteria provided. Collection method: clinical testing. Allele origin: germline. Not counted in ClinVar's aggregate classification.
Comment: The LZTR1 c.1587C>A variant is predicted to result in premature protein termination (p.Tyr529*). To our knowledge, this variant has not been reported in the literature. This variant is reported in 0.0033% of alleles in individuals of South Asian descent in gnomAD. Nonsense variants in LZTR1 are expected to be pathogenic for autosomal recessive Noonan syndrome and autosomal dominant susceptibility to schwannomatosis (see below). This variant is interpreted as pathogenic for autosomal recessive Noonan syndrome and autosomal dominant susceptibility to schwannomatosis. However, this variant is interpreted as uncertain for autosomal dominant Noonan syndrome.

Literature cited by the submitters: PubMed 24362817 (cited by Labcorp Genetics (formerly Invitae), Labcorp); PubMed 25335493 (cited by Labcorp Genetics (formerly Invitae), Labcorp); PubMed 25480913 (cited by Labcorp Genetics (formerly Invitae), Labcorp); PubMed 25795793 (cited by Labcorp Genetics (formerly Invitae), Labcorp); PubMed 29469822 (cited by Labcorp Genetics (formerly Invitae), Labcorp); PubMed 30368668 (cited by Labcorp Genetics (formerly Invitae), Labcorp); PubMed 30442762 (cited by Labcorp Genetics (formerly Invitae), Labcorp); PubMed 30442766 (cited by Labcorp Genetics (formerly Invitae), Labcorp); PubMed 30481304 (cited by Labcorp Genetics (formerly Invitae), Labcorp); PubMed 30859559 (cited by Labcorp Genetics (formerly Invitae), Labcorp).

NM_006767.4(LZTR1):c.1587C>A (p.Tyr529Ter)

Gene: LZTR1 (leucine zipper like post translational regulator 1; plus strand). Cytogenetic location: 22q11.21.
Variant type: single nucleotide variant.
Coding change: c.1587C>A on transcript NM_006767.4 (MANE Select); coding-DNA position 1587, C replaced by A.
Protein change: p.Tyr529Ter; replaces tyrosine 529 with a stop codon.
Molecular consequence: nonsense.
Genome position (GRCh38, 1-based): chr22:20,994,241, C>A. VCF-style: chr22-20994241-C-A. GRCh37 (hg19) VCF-style: chr22-21348530-C-A.
Other names: c.1587C>A (NM_006767.3); short protein forms Y529*.
Identifiers: ClinVar variation 1440234 (VCV001440234.9), dbSNP rs371015800, ClinGen allele CA10118949.